The following is an entry in ClinVar:

NM_005609.4(PYGM):c.1563_1564insGAGACAGT (p.Leu522fs)

Gene: PYGM (glycogen phosphorylase, muscle associated; minus strand). Cytogenetic location: 11q13.1.
Variant type: Insertion.
Coding change: c.1563_1564insGAGACAGT on transcript NM_005609.4 (MANE Select); coding-DNA positions 1563 to 1564, GAGACAGT inserted.
Protein change: p.Leu522fs; shifts the reading frame from leucine 522.
Molecular consequence: frameshift variant.
Genome position: GRCh38 VCF-style: chr11-64752459-G-GACTGTCTC. GRCh37 (hg19) VCF-style: chr11-64519931-G-GACTGTCTC.
Other names: c.1299_1300insGAGACAGT, p.Leu434fs (NM_001164716.1); short protein forms L434fs, L522fs.
Identifiers: ClinVar variation 5010616 (VCV005010616.1).

ClinVar aggregate classification (germline): Pathogenic (1 of 4 stars; one submission).

Conditions:
Glycogen storage disease, type V (GSD5). Also called: MCARDLE DISEASE; MUSCLE GLYCOGEN PHOSPHORYLASE DEFICIENCY; MYOPHOSPHORYLASE DEFICIENCY; PYGM DEFICIENCY; McArdle type glycogen storage disease. Identifiers: Orphanet 368, MedGen C0017924, MONDO:0009293, OMIM 232600.

Submission:

Myriad Genetics, Inc.
Classification: Pathogenic for Glycogen storage disease, type V. Last evaluated: 2024-05-14. Review status: criteria provided, single submitter. Criteria: Myriad Autosomal Dominant, Autosomal Recessive and X-Linked Classification Criteria (2023). Collection method: clinical testing. Allele origin: unknown.
Comment: NM_005609.2(PYGM):c.1563_1564ins8(L522Efs*20) is expected to be pathogenic in the context of glycogen storage disease, PYGM-related. This variant is predicted to lead to an abnormal or absent protein product due to the creation of a premature termination codon in PYGM, a gene where loss-of-function variants are known to be pathogenic. Please note: this variant was assessed in the context of healthy population screening.